The following is an entry in ClinVar:

NM_005546.4(ITK):c.1664del (p.Gly555fs)

Gene: ITK (IL2 inducible T cell kinase; plus strand). Cytogenetic location: 5q33.3.
Variant type: Deletion.
Coding change: c.1664del on transcript NM_005546.4 (MANE Select); coding-DNA position 1664, one base deleted (G; older notation c.1664delG).
Protein change: p.Gly555fs; shifts the reading frame from glycine 555.
Molecular consequence: frameshift variant.
Genome position (GRCh38, 1-based): chr5:157,248,880, G deleted; the last of 2 consecutive G bases (chr5:157,248,879-157,248,880); deleting either gives the same sequence. VCF-style (leftmost placement, unchanged base first): chr5-157248878-AG-A. GRCh37 (hg19) VCF-style: chr5-156675888-AG-A.
Other names: short protein forms G555fs.
Identifiers: ClinVar variation 2109769 (VCV002109769.4), dbSNP rs1755074965, ClinGen allele CA1594084890.

ClinVar aggregate classification (germline): Pathogenic (1 of 4 stars; one submission).

Conditions:
Lymphoproliferative syndrome 1 (LPFS1). Identifiers: Orphanet 238505, Orphanet 538963, MedGen C3552634, MONDO:0013081, OMIM 613011.

Submission:

Labcorp Genetics (formerly Invitae), Labcorp
Classification: Pathogenic for Lymphoproliferative syndrome 1. Last evaluated: 2022-03-27. Review status: criteria provided, single submitter. Criteria: Invitae Variant Classification Sherloc (09022015). Collection method: clinical testing. Allele origin: germline.
Comment: This sequence change creates a premature translational stop signal (p.Gly555Alafs*37) in the ITK gene. While this is not anticipated to result in nonsense mediated decay, it is expected to disrupt the last 66 amino acid(s) of the ITK protein. For these reasons, this variant has been classified as Pathogenic. This variant disrupts a region of the ITK protein in which other variant(s) (p.Tyr588*) have been determined to be pathogenic (PMID: 21109689, 22289921). This suggests that this is a clinically significant region of the protein, and that variants that disrupt it are likely to be disease-causing. This variant has not been reported in the literature in individuals affected with ITK-related conditions. This variant is not present in population databases (gnomAD no frequency).

Literature cited by the submitters: PubMed 21109689; PubMed 22289921.